The following is an entry in ClinVar:

ClinVar aggregate classification (germline): Likely benign (0 of 4 stars; one submission).

Conditions:
NRXN3-related disorder. Also called: NRXN3-related condition.

Allele frequency attached by ClinVar (database versions not stated): ExAC 0.00001; TOPMed 0.00001; gnomAD exomes 0.00002; gnomAD 0.00003.
gnomAD v4.1: 36 of 1,613,678 alleles (0.0022%); highest among the groups gnomAD compares: Non-Finnish European, 0.0028%; no homozygotes.

Submission:

PreventionGenetics, part of Exact Sciences
Classification: Likely benign for NRXN3-related condition. Last evaluated: 2019-02-20. Review status: no assertion criteria provided. Collection method: clinical testing. Allele origin: germline.
Comment: This variant is classified as likely benign based on ACMG/AMP sequence variant interpretation guidelines (Richards et al. 2015 PMID: 25741868, with internal and published modifications).

NM_001330195.2(NRXN3):c.1962T>C (p.Asn654=)

Gene: NRXN3 (neurexin 3; plus strand). Cytogenetic location: 14q24.3.
Variant type: single nucleotide variant.
Coding change: c.1962T>C on transcript NM_001330195.2 (MANE Select); coding-DNA position 1962, T replaced by C.
Protein change: p.Asn654=; no amino-acid change (asparagine 654 retained).
Molecular consequence: synonymous variant. On other transcripts: non-coding transcript variant (4).
Genome position (GRCh38, 1-based): chr14:78,715,057, T>C. VCF-style: chr14-78715057-T-C. GRCh37 (hg19) VCF-style: chr14-79181400-T-C.
Other names: c.1962T>C, p.Asn654= (NM_001366425.1); c.1974T>C, p.Asn658= (NM_001366426.1); c.843T>C, p.Asn281= (NM_004796.6).
Identifiers: ClinVar variation 3047694 (VCV003047694.2), dbSNP rs771791112, ClinGen allele CA7291736.